The following is an entry in ClinVar:

NM_178170.3(NEK8):c.1401G>A (p.Trp467Ter)

Gene: NEK8 (NIMA related kinase 8; plus strand). Cytogenetic location: 17q11.2.
Variant type: single nucleotide variant.
Coding change: c.1401G>A on transcript NM_178170.3 (MANE Select); coding-DNA position 1401, G replaced by A.
Protein change: p.Trp467Ter; replaces tryptophan 467 with a stop codon.
Molecular consequence: nonsense.
Genome position (GRCh38, 1-based): chr17:28,739,185, G>A. VCF-style: chr17-28739185-G-A. GRCh37 (hg19) VCF-style: chr17-27066203-G-A.
Other names: short protein forms W467*.
Identifiers: ClinVar variation 191072 (VCV000191072.2), dbSNP rs762826555, ClinGen allele CA235959.
Genomic context (GRCh38, chr17:28,739,185, plus strand): 5'-GGTGGCCTGTGGGGCCTCTCACGTGCTGGCCCTGTCCACTGAGCGAGAACTATTTGCCTG[G>A]GGCCGTGGAGACAGCGGTAAGCTCCAGCCTTTAGGCCCCATCTCACAGCATCCTCAGCCA-3'

ClinVar aggregate classification (germline): Pathogenic/Likely pathogenic. Review status: criteria provided, multiple submitters, no conflicts (2 of 4 stars). 3 submissions from 3 submitters: Pathogenic (1); Likely pathogenic (1). 1 of the submissions does not count toward it. Last evaluated 2023-09-29.

Conditions:
Renal-hepatic-pancreatic dysplasia 2 (RHPD2). Identifiers: MedGen C3809434, MONDO:0014174, OMIM 615415.

Allele frequency attached by ClinVar (database versions not stated): gnomAD exomes below 0.00001; ExAC 0.00001.
gnomAD v4.1: 2 of 1,613,460 alleles (0.00012%); highest among the groups gnomAD compares: Non-Finnish European, 0.00017%; no homozygotes.

Submissions (3):

Women's Health and Genetics/Laboratory Corporation of America, LabCorp
Classification: Pathogenic for Renal-hepatic-pancreatic dysplasia 2. Last evaluated: 2023-09-29. Review status: criteria provided, single submitter. Criteria: LabCorp Variant Classification Summary - May 2015. Collection method: clinical testing. Allele origin: germline.
Comment: Variant summary: NEK8 c.1401G>A (p.Trp467X) results in a premature termination codon, predicted to cause absence of the protein due to nonsense mediated decay, a commonly known mechanism for disease. The variant allele was found at a frequency of 4e-06 in 251488 control chromosomes (gnomAD). To our knowledge, no experimental evidence demonstrating an impact on protein function has been reported. The following publication has been ascertained in the context of this evaluation (PMID: 26862157). No clinical diagnostic laboratories have cited clinical-significance assessments for this variant to ClinVar after 2014. Based on the evidence outlined above, the variant was classified as pathogenic.

Genomic Medicine Center of Excellence, King Faisal Specialist Hospital and Research Centre
Classification: Likely pathogenic. Review status: criteria provided, single submitter. Criteria: ACMG Guidelines, 2015. Collection method: research. Allele origin: germline. Affected: yes.

OMIM
Classification: Pathogenic for RENAL-HEPATIC-PANCREATIC DYSPLASIA 2. Last evaluated: 2018-02-14. Review status: no assertion criteria provided. Collection method: literature only. Allele origin: germline. Not counted in ClinVar's aggregate classification.

Literature cited by the submitters: PubMed 26862157 (cited by Women's Health and Genetics/Laboratory Corporation of America, LabCorp and OMIM).